The following is an entry in ClinVar:

ClinVar aggregate classification (germline): Uncertain significance. Review status: criteria provided, multiple submitters, no conflicts (2 of 4 stars). 2 submissions from 2 submitters: Uncertain significance (2). Last evaluated 2023-09-01.

Allele frequency attached by ClinVar (database versions not stated): gnomAD exomes 0.00001; ExAC 0.00002.
gnomAD v4.1: 4 of 1,614,168 alleles (0.00025%); highest among the groups gnomAD compares: Admixed American, 0.0067%; no homozygotes.

Submissions (2):

CeGaT Center for Human Genetics Tuebingen
Classification: Uncertain significance. Last evaluated: 2023-09-01. Review status: criteria provided, single submitter. Criteria: CeGaT Center For Human Genetics Tuebingen Variant Classification Criteria Version 2. Collection method: clinical testing. Allele origin: germline. Affected: yes. Observed: 1 variant allele.
Comment: ELP1: PM2

Ambry Genetics
Classification: Uncertain significance. Last evaluated: 2021-08-16. Review status: criteria provided, single submitter. Criteria: Ambry Variant Classification Scheme 2023. Collection method: clinical testing. Allele origin: germline.
Comment: The p.C1012Y variant (also known as c.3035G>A), located in coding exon 27 of the IKBKAP gene, results from a G to A substitution at nucleotide position 3035. The cysteine at codon 1012 is replaced by tyrosine, an amino acid with highly dissimilar properties. This amino acid position is conserved. In addition, the in silico prediction for this alteration is inconclusive. Since supporting evidence is limited at this time, the clinical significance of this alteration remains unclear.

NM_003640.5(ELP1):c.3035G>A (p.Cys1012Tyr)

Gene: ELP1 (elongator acetyltransferase complex subunit 1; minus strand). Cytogenetic location: 9q31.3.
Variant type: single nucleotide variant.
Coding change: c.3035G>A on transcript NM_003640.5 (MANE Select); coding-DNA position 3035, G replaced by A.
Protein change: p.Cys1012Tyr; replaces cysteine 1012 with tyrosine.
Molecular consequence: missense variant.
Genome position (GRCh38, 1-based): chr9:108,891,328, C>T on the plus strand (G>A on the coding strand, the complement: ELP1 is on the minus strand). VCF-style: chr9-108891328-C-T. GRCh37 (hg19) VCF-style: chr9-111653608-C-T.
Other names: c.2693G>A, p.Cys898Tyr (NM_001318360.2); c.1988G>A, p.Cys663Tyr (NM_001330749.2); short protein forms C1012Y, C663Y, C898Y.
Identifiers: ClinVar variation 1799860 (VCV001799860.27), dbSNP rs767619903, ClinGen allele CA5174452.